The following is an entry in ClinVar:

NM_001386140.1(MTTP):c.1649del (p.Asn550fs)

Gene: MTTP (microsomal triglyceride transfer protein; plus strand). Cytogenetic location: 4q23.
Variant type: Deletion.
Coding change: c.1649del on transcript NM_001386140.1 (MANE Select); coding-DNA position 1649, one base deleted (A; older notation c.1649delA).
Protein change: p.Asn550fs; shifts the reading frame from asparagine 550.
Molecular consequence: frameshift variant.
Genome position (GRCh38, 1-based): chr4:99,608,857, A deleted; the last of 2 consecutive A bases (chr4:99,608,856-99,608,857); deleting either gives the same sequence. VCF-style (leftmost placement, unchanged base first): chr4-99608855-TA-T. GRCh37 (hg19) VCF-style: chr4-100530012-TA-T.
Other names: c.1649del, p.Asn550fs (NM_000253.4); c.1400del, p.Asn467fs (NM_001300785.2); short protein forms N467fs, N550fs.
Identifiers: ClinVar variation 5013481 (VCV005013481.1).

ClinVar aggregate classification (germline): Pathogenic (1 of 4 stars; one submission).

Conditions:
Abetalipoproteinaemia (ABL). Also called: MTP DEFICIENCY; Abetalipoproteinemia; Abetalipoproteinemia neuropathy; Apolipoprotein B deficiency; Congenital betalipoprotein deficiency syndrome. Identifiers: Orphanet 14, MedGen C0000744, MONDO:0008692, OMIM 200100, HP:0008181.

Submission:

Myriad Genetics, Inc.
Classification: Pathogenic for Abetalipoproteinaemia. Last evaluated: 2024-08-21. Review status: criteria provided, single submitter. Criteria: Myriad Autosomal Dominant, Autosomal Recessive and X-Linked Classification Criteria (2023). Collection method: clinical testing. Allele origin: unknown.
Comment: NM_000253.2(MTTP):c.1649delA(N550Tfs*22) is expected to be pathogenic in the context of abetalipoproteinemia. This variant is predicted to lead to an abnormal or absent protein product due to the creation of a premature termination codon in MTTP, a gene where loss-of-function variants are known to be pathogenic. Please note: this variant was assessed in the context of healthy population screening.